The following is an entry in ClinVar:

NM_152564.5(VPS13B):c.9920A>G (p.Asp3307Gly)

Gene: VPS13B (vacuolar protein sorting 13 homolog B; plus strand). Cytogenetic location: 8q22.2.
Variant type: single nucleotide variant.
Coding change: c.9920A>G on transcript NM_152564.5 (MANE Select); coding-DNA position 9920, A replaced by G.
Protein change: p.Asp3307Gly; replaces aspartic acid 3307 with glycine.
Molecular consequence: missense variant.
Genome position (GRCh38, 1-based): chr8:99,835,716, A>G. VCF-style: chr8-99835716-A-G. GRCh37 (hg19) VCF-style: chr8-100847944-A-G.
Other names: c.9995A>G (NM_017890.3); c.9995A>G, p.Asp3332Gly (NM_017890.5); short protein forms D3332G, D3307G.
Identifiers: ClinVar variation 1958645 (VCV001958645.4), dbSNP rs1400316930, ClinGen allele CA371784955.

ClinVar aggregate classification (germline): Uncertain significance. Review status: criteria provided, multiple submitters, no conflicts (2 of 4 stars). 2 submissions from 2 submitters: Uncertain significance (2). Last evaluated 2025-09-22.

Conditions:
Inborn genetic diseases. Identifiers: MedGen C0950123, MeSH D030342.
Cohen syndrome (COH1). Also called: Cutis verticis gyrata, retinitis pigmentosa, and sensorineural deafness; PEPPER SYNDROME. Identifiers: Orphanet 193, MedGen C0265223, MONDO:0008999, OMIM 216550.

Allele frequency attached by ClinVar (database versions not stated): gnomAD exomes 0.00001; TOPMed 0.00001.
gnomAD v4.1: 4 of 1,614,162 alleles (0.00025%); highest among the groups gnomAD compares: African/African-American, 0.004%; no homozygotes.

Submissions (2):

Ambry Genetics
Classification: Uncertain significance for Inborn genetic diseases. Last evaluated: 2025-09-22. Review status: criteria provided, single submitter. Criteria: Ambry Variant Classification Scheme 2023. Collection method: clinical testing. Allele origin: germline.

Labcorp Genetics (formerly Invitae), Labcorp
Classification: Uncertain significance for Cohen syndrome. Last evaluated: 2022-04-24. Review status: criteria provided, single submitter. Criteria: Invitae Variant Classification Sherloc (09022015). Collection method: clinical testing. Allele origin: germline.
Comment: This variant is present in population databases (no rsID available, gnomAD 0.007%). This sequence change replaces aspartic acid, which is acidic and polar, with glycine, which is neutral and non-polar, at codon 3332 of the VPS13B protein (p.Asp3332Gly). This variant has not been reported in the literature in individuals affected with VPS13B-related conditions. Algorithms developed to predict the effect of missense changes on protein structure and function are either unavailable or do not agree on the potential impact of this missense change (SIFT: "Not Available"; PolyPhen-2: "Possibly Damaging"; Align-GVGD: "Not Available"). In summary, the available evidence is currently insufficient to determine the role of this variant in disease. Therefore, it has been classified as a Variant of Uncertain Significance.